The following is an entry in ClinVar:

NM_033028.5(BBS4):c.514dup (p.Ile172fs)

Gene: BBS4 (Bardet-Biedl syndrome 4; plus strand). Cytogenetic location: 15q24.1.
Variant type: Duplication.
Coding change: c.514dup on transcript NM_033028.5 (MANE Select); coding-DNA position 514, one base duplicated (A; older notation c.514dupA).
Protein change: p.Ile172fs; shifts the reading frame from isoleucine 172.
Molecular consequence: frameshift variant. On other transcripts: 5 prime UTR variant (1), non-coding transcript variant (2).
Genome position (GRCh38, 1-based): chr15:72,724,582, A duplicated. VCF-style (leftmost placement, unchanged base first): chr15-72724581-T-TA. GRCh37 (hg19) VCF-style: chr15-73016922-T-TA.
Other names: c.-3dup (NM_001252678.2); c.514dup, p.Ile172fs (NM_001320665.2); c.514dupA (NM_033028.4, NM_033028.5); short protein forms I172fs.
Identifiers: ClinVar variation 2200217 (VCV002200217.11), dbSNP rs779047261, ClinGen allele CA7646662.

ClinVar aggregate classification (germline): Pathogenic/Likely pathogenic. Review status: criteria provided, multiple submitters, no conflicts (2 of 4 stars). 4 submissions from 4 submitters: Pathogenic (3); Likely pathogenic (1). Last evaluated 2025-09-08.

Conditions:
Bardet-Biedl syndrome (BBS). Identifiers: Orphanet 110, MedGen C0752166, MONDO:0015229.
Bardet-Biedl syndrome 4 (BBS4). Identifiers: Orphanet 110, MedGen C2936864, MONDO:0014433, OMIM 615982.
BBS4-related disorder. Also called: BBS4-related condition.

Allele frequency attached by ClinVar (database versions not stated): ExAC 0.00001; gnomAD 0.00001; gnomAD exomes 0.00001; TOPMed 0.00001.

Submissions (4):

Women's Health and Genetics/Laboratory Corporation of America, LabCorp
Classification: Pathogenic for Bardet-Biedl syndrome. Last evaluated: 2025-09-08. Review status: criteria provided, single submitter. Criteria: LabCorp Variant Classification Summary - May 2015. Collection method: clinical testing. Allele origin: germline.
Comment: Variant summary: BBS4 c.514dupA (p.Ile172AsnfsX18) results in a premature termination codon, predicted to cause a truncation of the encoded protein or absence of the protein due to nonsense mediated decay, which are commonly known mechanisms for disease. The variant allele was found at a frequency of 2e-05 in 251456 control chromosomes. c.514dupA has been observed in individual(s) affected with Bardet-Biedl Syndrome (Glockle_2014). To our knowledge, no experimental evidence demonstrating an impact on protein function has been reported. The following publication have been ascertained in the context of this evaluation (PMID: 23591405). ClinVar contains an entry for this variant (Variation ID: 2200217). Based on the evidence outlined above, the variant was classified as pathogenic.

PreventionGenetics, part of Exact Sciences
Classification: Likely pathogenic for BBS4-related condition. Last evaluated: 2025-06-30. Review status: criteria provided, single submitter. Criteria: ACMG Guidelines, 2015. Collection method: clinical testing. Allele origin: germline.
Comment: The BBS4 c.514dupA variant is predicted to result in a frameshift and premature protein termination (p.Ile172Asnfs*18). This variant has been reported along with a second variant in this gene in an individual with Bardet-Biedl syndrome (referred to as c.515dupA, p.I172NfsX18 in Table S1, Glöckle et al. 2014. PubMed ID: 23591405). This variant is reported in 0.020% of alleles in individuals of Ashkenazi Jewish descent in gnomAD. Frameshift variants in BBS4 are expected to be pathogenic. This variant is interpreted as likely pathogenic.

Labcorp Genetics (formerly Invitae), Labcorp
Classification: Pathogenic for Bardet-Biedl syndrome. Last evaluated: 2025-02-25. Review status: criteria provided, single submitter. Criteria: Invitae Variant Classification Sherloc (09022015). Collection method: clinical testing. Allele origin: germline.
Comment: This sequence change creates a premature translational stop signal (p.Ile172Asnfs*18) in the BBS4 gene. It is expected to result in an absent or disrupted protein product. Loss-of-function variants in BBS4 are known to be pathogenic (PMID: 11381270, 12016587, 20177705, 26355662, 27894351). This variant is present in population databases (rs779047261, gnomAD 0.02%). This premature translational stop signal has been observed in individual(s) with BBS4-related conditions (PMID: 23591405). This variant is also known as c.515dupA. ClinVar contains an entry for this variant (Variation ID: 2200217). For these reasons, this variant has been classified as Pathogenic.

Fulgent Genetics
Classification: Pathogenic for Bardet-Biedl syndrome 4. Last evaluated: 2024-06-05. Review status: criteria provided, single submitter. Criteria: ACMG Guidelines, 2015. Collection method: clinical testing. Allele origin: germline.

Literature cited by the submitters: PubMed 23591405 (cited by Women's Health and Genetics/Laboratory Corporation of America, LabCorp and Labcorp Genetics (formerly Invitae), Labcorp); PubMed 11381270 (cited by Labcorp Genetics (formerly Invitae), Labcorp); PubMed 12016587 (cited by Labcorp Genetics (formerly Invitae), Labcorp); PubMed 20177705 (cited by Labcorp Genetics (formerly Invitae), Labcorp); PubMed 26355662 (cited by Labcorp Genetics (formerly Invitae), Labcorp); PubMed 27894351 (cited by Labcorp Genetics (formerly Invitae), Labcorp).